The following is an entry in ClinVar:

ClinVar aggregate classification (germline): Uncertain significance (1 of 4 stars; one submission).

Submission:

Labcorp Genetics (formerly Invitae), Labcorp
Classification: Uncertain significance. Last evaluated: 2022-11-24. Review status: criteria provided, single submitter. Criteria: Invitae Variant Classification Sherloc (09022015). Collection method: clinical testing. Allele origin: unknown.
Comment: In summary, the available evidence is currently insufficient to determine the role of this variant in disease. Therefore, it has been classified as a Variant of Uncertain Significance. This variant has not been reported in the literature in individuals affected with LRP6-related conditions. This variant results in a copy number gain of the genomic region encompassing exon(s) 1-9 of the LRP6 gene. This region includes the initiator codon of the gene. This copy number gain extends beyond the assayed region for this gene and therefore may encompass additional genes. As the precise location of this event is unknown, it may be in tandem or it may be located elsewhere in the genome.

NC_000012.11:g.(?_12317187)_(12419669_?)dup

Gene: LRP6 (LDL receptor related protein 6; minus strand). Cytogenetic location: 12p13.2.
Variant type: Duplication.
Identifiers: ClinVar variation 3244380 (VCV003244380.1).